The following is an entry in ClinVar:

ClinVar aggregate classification (germline): Uncertain significance. Review status: criteria provided, multiple submitters, no conflicts (2 of 4 stars). 3 submissions from 3 submitters: Uncertain significance (3). Last evaluated 2026-01-17.

Conditions:
Gamma-aminobutyric acid transaminase deficiency (GABATD). Also called: GABA aminotransaminase deficiency; GABA transaminase deficiency; Gamma aminobutyrate transaminase deficiency; 4 alpha aminobutyrate transaminase deficiency. Identifiers: Orphanet 2066, MedGen C0342708, MONDO:0013166, OMIM 613163.

Allele frequency attached by ClinVar (database versions not stated): ExAC 0.00002; gnomAD 0.00005 and 0.00007; TOPMed 0.00007.
gnomAD v4.1: 74 of 1,614,072 alleles (0.0046%); highest among the groups gnomAD compares: Admixed American, 0.013%; 1 homozygote.

Submissions (3):

Labcorp Genetics (formerly Invitae), Labcorp
Classification: Uncertain significance for Gamma-aminobutyric acid transaminase deficiency. Last evaluated: 2026-01-17. Review status: criteria provided, single submitter. Criteria: Invitae Variant Classification Sherloc (09022015). Collection method: clinical testing. Allele origin: germline.
Comment: This sequence change replaces proline, which is neutral and non-polar, with leucine, which is neutral and non-polar, at codon 386 of the ABAT protein (p.Pro386Leu). This variant is present in population databases (rs775339966, gnomAD 0.01%). This variant has not been reported in the literature in individuals affected with ABAT-related conditions. ClinVar contains an entry for this variant (Variation ID: 194423). Invitae Evidence Modeling of protein sequence and biophysical properties (such as structural, functional, and spatial information, amino acid conservation, physicochemical variation, residue mobility, and thermodynamic stability) indicates that this missense variant is not expected to disrupt ABAT protein function with a negative predictive value of 80%. In summary, the available evidence is currently insufficient to determine the role of this variant in disease. Therefore, it has been classified as a Variant of Uncertain Significance.

Institute for Clinical Genetics, University Hospital TU Dresden, University Hospital TU Dresden
Classification: Uncertain significance. Last evaluated: 2021-11-03. Review status: criteria provided, single submitter. Criteria: ACMG Guidelines, 2015. Collection method: clinical testing. Allele origin: germline.

Eurofins Ntd Llc (ga)
Classification: Uncertain significance. Last evaluated: 2015-03-06. Review status: criteria provided, single submitter. Criteria: EGL Classification Definitions 2015. Collection method: clinical testing. Allele origin: germline. Observed: 1 variant allele, 1 heterozygote.

NM_020686.6(ABAT):c.1157C>T (p.Pro386Leu)

Gene: ABAT (4-aminobutyrate aminotransferase; plus strand). Cytogenetic location: 16p13.2.
Variant type: single nucleotide variant.
Coding change: c.1157C>T on transcript NM_020686.6 (MANE Select); coding-DNA position 1157, C replaced by T.
Protein change: p.Pro386Leu; replaces proline 386 with leucine.
Molecular consequence: missense variant.
Genome position (GRCh38, 1-based): chr16:8,776,378, C>T. VCF-style: chr16-8776378-C-T. GRCh37 (hg19) VCF-style: chr16-8870235-C-T.
Other names: c.1157C>T, p.Pro386Leu (NM_000663.5, NM_001127448.2, NM_001386600.1 and 6 more transcripts); c.1118C>T, p.Pro373Leu (NM_001386605.1); c.1094C>T, p.Pro365Leu (NM_001386606.1, NM_001386607.1); c.1064C>T, p.Pro355Leu (NM_001386608.1); c.1022C>T, p.Pro341Leu (NM_001386610.1, NM_001386611.1); c.959C>T, p.Pro320Leu (NM_001386612.1, NM_001386613.1); c.911C>T, p.Pro304Leu (NM_001386614.1); c.1253C>T, p.Pro418Leu (NM_001386615.1); short protein forms P386L, P304L, P320L, P341L, P355L, P365L, P373L, P418L.
Identifiers: ClinVar variation 194423 (VCV000194423.14), dbSNP rs775339966, ClinGen allele CA240367.